The following is an entry in ClinVar:

ClinVar aggregate classification (germline): Likely benign. Review status: criteria provided, multiple submitters, no conflicts (2 of 4 stars). 6 submissions from 6 submitters: Likely benign (6). Last evaluated 2025-12-31.

Conditions:
Cardiovascular phenotype. Identifiers: MedGen CN230736.
Cardiomyopathy (CMYO). Also called: Cardiomyopathies. Identifiers: Orphanet 167848, MedGen C0878544, MONDO:0004994, HP:0001638. Inheritance: Various modes of inheritance.
Catecholaminergic polymorphic ventricular tachycardia (CVPT). Also called: Catecholamine-induced polymorphic ventricular tachycardia. Identifiers: Orphanet 3286, MedGen C5574922, MONDO:0017990.
Catecholaminergic polymorphic ventricular tachycardia 1. Also called: RYR2-Related Catecholaminergic Polymorphic Ventricular Tachycardia; VENTRICULAR TACHYCARDIA, STRESS-INDUCED POLYMORPHIC 1; VENTRICULAR TACHYCARDIA, CATECHOLAMINERGIC POLYMORPHIC, 1, WITH OR WITHOUT ATRIAL DYSFUNCTION AND/OR DILATED CARDIOMYOPATHY. Identifiers: Orphanet 3286, MedGen C1631597, MONDO:0011484, OMIM 604772.

Allele frequency attached by ClinVar (database versions not stated): ExAC 0.00003; gnomAD 0.00003; TOPMed 0.00007.
gnomAD v4.1: 27 of 1,613,366 alleles (0.0017%); highest among the groups gnomAD compares: African/African-American, 0.0027%; no homozygotes.

Submissions (6):

Labcorp Genetics (formerly Invitae), Labcorp
Classification: Likely benign for Catecholaminergic polymorphic ventricular tachycardia 1. Last evaluated: 2025-12-31. Review status: criteria provided, single submitter. Criteria: Invitae Variant Classification Sherloc (09022015). Collection method: clinical testing. Allele origin: germline.

Blueprint Genetics
Classification: Likely benign. Last evaluated: 2024-05-23. Review status: criteria provided, single submitter. Criteria: ACMG Guidelines, 2015. Collection method: clinical testing. Allele origin: germline.

All of Us Research Program, National Institutes of Health
Classification: Likely benign for Catecholaminergic polymorphic ventricular tachycardia. Last evaluated: 2024-02-05. Review status: criteria provided, single submitter. Criteria: ACMG Guidelines, 2015. Collection method: clinical testing. Allele origin: germline. Inheritance: Autosomal dominant inheritance. Observed: 6 variant alleles, 6 heterozygotes.
Comment: This study involves interpretation of variants in research participants for the purpose of population health screening. Participant phenotype was not available at the time of variant classification. Additional details can be found in publication PMID: 35346344, PMCID: PMC8962531

Color Diagnostics, LLC DBA Color Health
Classification: Likely benign for Cardiomyopathy. Last evaluated: 2018-10-21. Review status: criteria provided, single submitter. Criteria: ACMG Guidelines, 2015. Collection method: clinical testing. Allele origin: germline.

Ambry Genetics
Classification: Likely benign for Cardiovascular phenotype. Last evaluated: 2017-09-11. Review status: criteria provided, single submitter. Criteria: Ambry Variant Classification Scheme 2023. Collection method: clinical testing. Allele origin: germline.

GeneDx
Classification: Likely benign. Last evaluated: 2016-07-08. Review status: criteria provided, single submitter. Criteria: GeneDx Variant Classification (06012015). Collection method: clinical testing. Allele origin: germline. Affected: yes.
Comment: This variant is considered likely benign or benign based on one or more of the following criteria: it is a conservative change, it occurs at a poorly conserved position in the protein, it is predicted to be benign by multiple in silico algorithms, and/or has population frequency not consistent with disease.

NM_001035.3(RYR2):c.9996G>A (p.Thr3332=)

Gene: RYR2 (ryanodine receptor 2; plus strand). Cytogenetic location: 1q43.
Variant type: single nucleotide variant.
Coding change: c.9996G>A on transcript NM_001035.3 (MANE Select); coding-DNA position 9996, G replaced by A.
Protein change: p.Thr3332=; no amino-acid change (threonine 3332 retained).
Molecular consequence: synonymous variant.
Genome position (GRCh38, 1-based): chr1:237,708,952, G>A. VCF-style: chr1-237708952-G-A. GRCh37 (hg19) VCF-style: chr1-237872252-G-A.
Other names: c.9996G>A, p.Thr3332= (LRG_402t1).
Identifiers: ClinVar variation 387431 (VCV000387431.20), dbSNP rs760131228, ClinGen allele CA087993.